The following is an entry in ClinVar:

ClinVar aggregate classification (germline): Uncertain significance (1 of 4 stars; one submission).

Conditions:
Primary ciliary dyskinesia 6. Also called: Primary Ciliary Dyskinesia 6: TXNDC3-Related Primary Ciliary Dyskinesia. Identifiers: Orphanet 244, MedGen C1970506, MONDO:0012571, OMIM 610852.

gnomAD v4.1: 1 of 1,612,778 alleles (0.000062%); highest among the groups gnomAD compares: Non-Finnish European, 0.000085%; no homozygotes.

Submission:

Labcorp Genetics (formerly Invitae), Labcorp
Classification: Uncertain significance for Primary ciliary dyskinesia 6. Last evaluated: 2022-10-12. Review status: criteria provided, single submitter. Criteria: Invitae Variant Classification Sherloc (09022015). Collection method: clinical testing. Allele origin: germline.
Comment: This sequence change replaces isoleucine, which is neutral and non-polar, with valine, which is neutral and non-polar, at codon 469 of the NME8 protein (p.Ile469Val). This variant is not present in population databases (gnomAD no frequency). This variant has not been reported in the literature in individuals affected with NME8-related conditions. Advanced modeling of protein sequence and biophysical properties (such as structural, functional, and spatial information, amino acid conservation, physicochemical variation, residue mobility, and thermodynamic stability) performed at Invitae indicates that this missense variant is expected to disrupt NME8 protein function. In summary, the available evidence is currently insufficient to determine the role of this variant in disease. Therefore, it has been classified as a Variant of Uncertain Significance.

NM_016616.5(NME8):c.1405A>G (p.Ile469Val)

Gene: NME8 (NME/NM23 family member 8; plus strand). Cytogenetic location: 7p14.1.
Variant type: single nucleotide variant.
Coding change: c.1405A>G on transcript NM_016616.5 (MANE Select); coding-DNA position 1405, A replaced by G.
Protein change: p.Ile469Val; replaces isoleucine 469 with valine.
Molecular consequence: missense variant.
Genome position (GRCh38, 1-based): chr7:37,894,471, A>G. VCF-style: chr7-37894471-A-G. GRCh37 (hg19) VCF-style: chr7-37934073-A-G.
Other names: short protein forms I469V.
Identifiers: ClinVar variation 1967514 (VCV001967514.5), dbSNP rs147791304, ClinGen allele CA367216556.